The following is an entry in ClinVar:

ClinVar aggregate classification (germline): Uncertain significance. Review status: criteria provided, multiple submitters, no conflicts (2 of 4 stars). 2 submissions from 2 submitters: Uncertain significance (2). Last evaluated 2024-10-14.

Conditions:
Cardiomyopathy (CMYO). Also called: Cardiomyopathies. Identifiers: Orphanet 167848, MedGen C0878544, MONDO:0004994, HP:0001638. Inheritance: Various modes of inheritance.
Arrhythmogenic right ventricular dysplasia 8 (ARVD8). Also called: Arrhythmogenic Right Ventricular Dysplasia/Cardiomyopathy 8; ARRHYTHMOGENIC RIGHT VENTRICULAR DYSPLASIA, FAMILIAL, 8; ARRHYTHMOGENIC RIGHT VENTRICULAR CARDIOMYOPATHY 8. Identifiers: MedGen C1843896, MONDO:0011831, OMIM 607450.
Arrhythmogenic cardiomyopathy with wooly hair and keratoderma. Also called: Dilated cardiomyopathy with woolly hair and keratoderma; Carvajal syndrome; Arrhythmogenic cardiomyopathy with woolly hair and keratoderma; PALMOPLANTAR KERATODERMA WITH LEFT VENTRICULAR CARDIOMYOPATHY AND WOOLLY HAIR. Identifiers: Orphanet 65282, MedGen C1854063, MONDO:0011581, OMIM 605676.

Submissions (2):

Labcorp Genetics (formerly Invitae), Labcorp
Classification: Uncertain significance for Arrhythmogenic cardiomyopathy with wooly hair and keratoderma; Arrhythmogenic right ventricular dysplasia 8. Last evaluated: 2024-10-14. Review status: criteria provided, single submitter. Criteria: Invitae Variant Classification Sherloc (09022015). Collection method: clinical testing. Allele origin: germline.
Comment: This sequence change replaces alanine, which is neutral and non-polar, with threonine, which is neutral and polar, at codon 2054 of the DSP protein (p.Ala2054Thr). This variant is not present in population databases (gnomAD no frequency). This variant has not been reported in the literature in individuals affected with DSP-related conditions. ClinVar contains an entry for this variant (Variation ID: 999192). An algorithm developed to predict the effect of missense changes on protein structure and function (PolyPhen-2) suggests that this variant is likely to be disruptive. In summary, the available evidence is currently insufficient to determine the role of this variant in disease. Therefore, it has been classified as a Variant of Uncertain Significance.

Color Diagnostics, LLC DBA Color Health
Classification: Uncertain significance for Cardiomyopathy. Last evaluated: 2024-01-09. Review status: criteria provided, single submitter. Criteria: ACMG Guidelines, 2015. Collection method: clinical testing. Allele origin: germline.
Comment: This missense variant replaces alanine with threonine at codon 2054 of the DSP protein. Computational prediction is inconclusive regarding the impact of this variant on protein structure and function (internally defined REVEL score threshold 0.5 < inconclusive < 0.7, PMID: 27666373). To our knowledge, functional studies have not been reported for this variant. This variant has not been reported in individuals affected with DSP-related disorders in the literature. This variant has not been identified in the general population by the Genome Aggregation Database (gnomAD). The available evidence is insufficient to determine the role of this variant in disease conclusively. Therefore, this variant is classified as a Variant of Uncertain Significance.

NM_004415.4(DSP):c.6160G>A (p.Ala2054Thr)

Gene: DSP (desmoplakin; plus strand). Cytogenetic location: 6p24.3.
Variant type: single nucleotide variant.
Coding change: c.6160G>A on transcript NM_004415.4 (MANE Select); coding-DNA position 6160, G replaced by A.
Protein change: p.Ala2054Thr; replaces alanine 2054 with threonine.
Molecular consequence: missense variant.
Genome position (GRCh38, 1-based): chr6:7,583,422, G>A. VCF-style: chr6-7583422-G-A. GRCh37 (hg19) VCF-style: chr6-7583655-G-A.
Other names: c.4363G>A, p.Ala1455Thr (NM_001008844.3); c.4831G>A, p.Ala1611Thr (NM_001319034.2); short protein forms A1455T, A1611T, A2054T.
Identifiers: ClinVar variation 999192 (VCV000999192.11), dbSNP rs1759517531, ClinGen allele CA362690207.
Genomic context (GRCh38, chr6:7,583,422, plus strand): 5'-GCCAAGAGAAAGAAATTAATCAGCCCAGAATCCACAGTCATGCTTCTGGAGGCCCAGGCA[G>A]CTACAGGTGGTATAATTGATCCCCATCGGAATGAGAAGCTGACTGTCGACAGTGCCATAG-3'
Protein context (NP_004406.2, residues 2044-2064): STVMLLEAQA[Ala2054Thr]TGGIIDPHRN